The following is an entry in ClinVar:

ClinVar aggregate classification (germline): Pathogenic. Review status: criteria provided, multiple submitters, no conflicts (2 of 4 stars). 3 submissions from 3 submitters: Pathogenic (3). Last evaluated 2025-03-26.

Conditions:
Osteogenesis imperfecta (OI). Identifiers: Orphanet 666, MedGen C0029434, MeSH D010013, MONDO:0019019.
COL1A1-related disorder. Also called: COL1A1- related disease; COL1A1-related condition.

Submissions (3):

GeneDx
Classification: Pathogenic. Last evaluated: 2025-03-26. Review status: criteria provided, single submitter. Criteria: GeneDx Variant Classification Process June 2021. Collection method: clinical testing. Allele origin: germline. Affected: yes.
Comment: Occurs in the triple helical domain and replaces a glycine in a canonical Gly-X-Y repeat; missense substitution of a canonical glycine residue is expected to disrupt normal protein folding and function, and this is an established mechanism of disease (PMID: 34007986); Not observed at significant frequency in large population cohorts (gnomAD); In silico analysis supports that this missense variant has a deleterious effect on protein structure/function; This variant is associated with the following publications: (PMID: 17078022, 1895312, 24273577, 21450031, 10807697, 36554045, 34007986)

Division of Human Genetics, National Health Laboratory Service/University of the Witwatersrand
Classification: Pathogenic for Osteogenesis imperfecta. Last evaluated: 2023-07-01. Review status: criteria provided, single submitter. Criteria: ACMG Guidelines, 2015. Collection method: research. Allele origin: germline. Affected: yes.

Blueprint Genetics
Classification: Pathogenic for COL1A1-related disorders. Last evaluated: 2021-09-20. Review status: criteria provided, single submitter. Criteria: ACMG Guidelines, 2015. Collection method: clinical testing. Allele origin: de novo. Affected: yes. Observed: 1 variant allele.

NM_000088.4(COL1A1):c.1426G>A (p.Gly476Arg)

Gene: COL1A1 (collagen type I alpha 1 chain; minus strand). Cytogenetic location: 17q21.33.
Variant type: single nucleotide variant.
Coding change: c.1426G>A on transcript NM_000088.4 (MANE Select); coding-DNA position 1426, G replaced by A.
Protein change: p.Gly476Arg; replaces glycine 476 with arginine.
Molecular consequence: missense variant.
Genome position (GRCh38, 1-based): chr17:50,194,756, C>T on the plus strand (G>A on the coding strand, the complement: COL1A1 is on the minus strand). VCF-style: chr17-50194756-C-T. GRCh37 (hg19) VCF-style: chr17-48272117-C-T.
Other names: short protein forms G476R.
Identifiers: ClinVar variation 2579137 (VCV002579137.4), dbSNP rs57377812, ClinGen allele CA291545460.